The following is an entry in ClinVar:

NM_031924.8(RSPH3):c.-357G>A

Genes: RSPH3 (radial spoke head 3; minus strand), TAGAP-AS1 (TAGAP antisense RNA 1; plus strand). Cytogenetic location: 6q25.3.
Variant type: single nucleotide variant.
Coding change: c.-357G>A on transcript NM_031924.8 (MANE Select); 357 bases upstream of the start codon, G replaced by A.
Molecular consequence: 5 prime UTR variant. On other transcripts: missense variant (1), non-coding transcript variant (1).
Genome position (GRCh38, 1-based): chr6:158,999,907, C>T on the plus strand (G>A on the coding strand, the complement: RSPH3 is on the minus strand). VCF-style: chr6-158999907-C-T. GRCh37 (hg19) VCF-style: chr6-159420939-C-T.
Other names: c.70G>A, p.Gly24Ser (NM_001346418.1); short protein forms G24S.
Identifiers: ClinVar variation 2122176 (VCV002122176.4), dbSNP rs1456460638, ClinGen allele CA366285929.

ClinVar aggregate classification (germline): Uncertain significance (1 of 4 stars; one submission).

Conditions:
Primary ciliary dyskinesia 32. Also called: CILIARY DYSKINESIA, PRIMARY, 32, WITHOUT SITUS INVERSUS. Identifiers: Orphanet 244, MedGen C4225311, MONDO:0014657, OMIM 616481.

Submission:

Labcorp Genetics (formerly Invitae), Labcorp
Classification: Uncertain significance for Primary ciliary dyskinesia 32. Last evaluated: 2025-02-10. Review status: criteria provided, single submitter. Criteria: Invitae Variant Classification Sherloc (09022015). Collection method: clinical testing. Allele origin: germline.
Comment: This sequence change replaces glycine, which is neutral and non-polar, with serine, which is neutral and polar, at codon 24 of the RSPH3 protein (p.Gly24Ser). This variant is not present in population databases (gnomAD no frequency). This variant has not been reported in the literature in individuals affected with RSPH3-related conditions. ClinVar contains an entry for this variant (Variation ID: 2122176). An algorithm developed to predict the effect of missense changes on protein structure and function (PolyPhen-2) suggests that this variant is likely to be tolerated. In summary, the available evidence is currently insufficient to determine the role of this variant in disease. Therefore, it has been classified as a Variant of Uncertain Significance.